The following is an entry in ClinVar:

NM_000059.4(BRCA2):c.4295G>A (p.Ser1432Asn)

Gene: BRCA2 (BRCA2 DNA repair associated; plus strand). Cytogenetic location: 13q13.1.
Variant type: single nucleotide variant.
Coding change: c.4295G>A on transcript NM_000059.4 (MANE Select); coding-DNA position 4295, G replaced by A.
Protein change: p.Ser1432Asn; replaces serine 1432 with asparagine.
Molecular consequence: missense variant.
Genome position (GRCh38, 1-based): chr13:32,338,650, G>A. VCF-style: chr13-32338650-G-A. GRCh37 (hg19) VCF-style: chr13-32912787-G-A.
Other names: short protein forms S1432N.
Identifiers: ClinVar variation 572946 (VCV000572946.14), dbSNP rs1566230025, ClinGen allele CA387780679.

ClinVar aggregate classification (germline): Conflicting classifications of pathogenicity. Review status: criteria provided, conflicting classifications (1 of 4 stars). 3 submissions from 3 submitters: Uncertain significance (2); Likely benign (1). Last evaluated 2023-03-23.

Conditions:
Hereditary cancer-predisposing syndrome. Also called: Neoplastic Syndromes, Hereditary; Hereditary Cancer Syndrome; Tumor predisposition; Hereditary neoplastic syndrome. Identifiers: Orphanet 140162, MedGen C0027672, MeSH D009386, MONDO:0015356.
Hereditary breast ovarian cancer syndrome. Also called: BRCA1- and BRCA2-Associated Hereditary Breast and Ovarian Cancer; Hereditary breast and ovarian cancer; Hereditary breast and/or ovarian cancer syndrome; Hereditary breast and ovarian cancer syndrome; Hereditary breast and ovarian cancer syndrome (HBOC); Breast and ovarian cancer. Identifiers: Orphanet 145, MedGen C0677776, MeSH D061325, MONDO:0003582. Disease mechanism: loss of function.

Submissions (3):

University of Washington Department of Laboratory Medicine, University of Washington
Classification: Likely benign for Hereditary cancer-predisposing syndrome. Last evaluated: 2023-03-23. Review status: criteria provided, single submitter. Criteria: Dines et al. (Genet Med. 2020). Collection method: curation. Allele origin: germline.
Comment: Missense variant in a coldspot region where missense variants are very unlikely to be pathogenic (PMID:31911673).

BRCA2 exon 11 coldspot. Reclassification based on statistical prior probability.

Ambry Genetics
Classification: Uncertain significance for Hereditary cancer-predisposing syndrome. Last evaluated: 2019-08-06. Review status: criteria provided, single submitter. Criteria: Ambry Variant Classification Scheme 2023. Collection method: clinical testing. Allele origin: germline.
Comment: The p.S1432N variant (also known as c.4295G>A), located in coding exon 10 of the BRCA2 gene, results from a G to A substitution at nucleotide position 4295. The serine at codon 1432 is replaced by asparagine, an amino acid with highly similar properties. This amino acid position is poorly conserved in available vertebrate species. In addition, the in silico prediction for this alteration is inconclusive. Since supporting evidence is limited at this time, the clinical significance of this alteration remains unclear.

Labcorp Genetics (formerly Invitae), Labcorp
Classification: Uncertain significance for Hereditary breast ovarian cancer syndrome. Last evaluated: 2018-05-22. Review status: criteria provided, single submitter. Criteria: Invitae Variant Classification Sherloc (09022015). Collection method: clinical testing. Allele origin: germline.
Comment: This variant has not been reported in the literature in individuals with BRCA2-related disease. This variant is not present in population databases (ExAC no frequency). This sequence change replaces serine with asparagine at codon 1432 of the BRCA2 protein (p.Ser1432Asn). The serine residue is highly conserved and there is a small physicochemical difference between serine and asparagine. Algorithms developed to predict the effect of missense changes on protein structure and function output the following: SIFT: "Tolerated"; PolyPhen-2: "Benign"; Align-GVGD: "Class C0". The asparagine amino acid residue is found in multiple mammalian species, suggesting that this missense change does not adversely affect protein function. These predictions have not been confirmed by published functional studies and their clinical significance is uncertain. In summary, the available evidence is currently insufficient to determine the role of this variant in disease. Therefore, it has been classified as a Variant of Uncertain Significance.